The following is an entry in ClinVar:

ClinVar aggregate classification (germline): Uncertain significance (1 of 4 stars; one submission).

Conditions:
Peroxisome biogenesis disorder 5A (Zellweger) (PBD5A). Identifiers: Orphanet 912, MedGen C3553940, MONDO:0013932, OMIM 614866.

Allele frequency attached by ClinVar (database versions not stated): gnomAD exomes below 0.00001; TOPMed 0.00001.

Submission:

Labcorp Genetics (formerly Invitae), Labcorp
Classification: Uncertain significance for Peroxisome biogenesis disorder 5A (Zellweger). Last evaluated: 2025-01-27. Review status: criteria provided, single submitter. Criteria: Invitae Variant Classification Sherloc (09022015). Collection method: clinical testing. Allele origin: germline.
Comment: This sequence change replaces cysteine, which is neutral and slightly polar, with tyrosine, which is neutral and polar, at codon 224 of the PEX2 protein (p.Cys224Tyr). This variant is not present in population databases (gnomAD no frequency). This variant has not been reported in the literature in individuals affected with PEX2-related conditions. ClinVar contains an entry for this variant (Variation ID: 2420460). Invitae Evidence Modeling of protein sequence and biophysical properties (such as structural, functional, and spatial information, amino acid conservation, physicochemical variation, residue mobility, and thermodynamic stability) indicates that this missense variant is not expected to disrupt PEX2 protein function with a negative predictive value of 80%. In summary, the available evidence is currently insufficient to determine the role of this variant in disease. Therefore, it has been classified as a Variant of Uncertain Significance.

NM_000318.3(PEX2):c.671G>A (p.Cys224Tyr)

Gene: PEX2 (peroxisomal biogenesis factor 2; minus strand). Cytogenetic location: 8q21.13.
Variant type: single nucleotide variant.
Coding change: c.671G>A on transcript NM_000318.3 (MANE Select); coding-DNA position 671, G replaced by A.
Protein change: p.Cys224Tyr; replaces cysteine 224 with tyrosine.
Molecular consequence: missense variant.
Genome position (GRCh38, 1-based): chr8:76,983,508, C>T on the plus strand (G>A on the coding strand, the complement: PEX2 is on the minus strand). VCF-style: chr8-76983508-C-T. GRCh37 (hg19) VCF-style: chr8-77895744-C-T.
Other names: c.671G>A, p.Cys224Tyr (NM_001079867.2, NM_001172086.2, NM_001172087.2); short protein forms C224Y.
Identifiers: ClinVar variation 2420460 (VCV002420460.6), dbSNP rs1806901230, ClinGen allele CA371556833.